The following is an entry in ClinVar:

ClinVar aggregate classification (germline): Uncertain significance (1 of 4 stars; one submission).

Conditions:
Cardiovascular phenotype. Identifiers: MedGen CN230736.

Submission:

Ambry Genetics
Classification: Uncertain significance for Cardiovascular phenotype. Last evaluated: 2025-10-28. Review status: criteria provided, single submitter. Criteria: Ambry Variant Classification Scheme 2023. Collection method: clinical testing. Allele origin: germline.
Comment: The p.R442S variant (also known as c.1324C>A), located in coding exon 11 of the TRPM4 gene, results from a C to A substitution at nucleotide position 1324. The arginine at codon 442 is replaced by serine, an amino acid with dissimilar properties. This amino acid position is highly conserved in available vertebrate species. In addition, the in silico prediction for this alteration is inconclusive. Based on the available evidence, the clinical significance of this variant remains unclear.

NM_017636.4(TRPM4):c.1324C>A (p.Arg442Ser)

Gene: TRPM4 (transient receptor potential cation channel subfamily M member 4; plus strand). Cytogenetic location: 19q13.33.
Variant type: single nucleotide variant.
Coding change: c.1324C>A on transcript NM_017636.4 (MANE Select); coding-DNA position 1324, C replaced by A.
Protein change: p.Arg442Ser; replaces arginine 442 with serine.
Molecular consequence: missense variant. On other transcripts: 5 prime UTR variant (1).
Genome position (GRCh38, 1-based): chr19:49,182,638, C>A. VCF-style: chr19-49182638-C-A. GRCh37 (hg19) VCF-style: chr19-49685895-C-A.
Other names: c.1324C>A, p.Arg442Ser (NM_001195227.2); c.979C>A, p.Arg327Ser (NM_001321281.2); c.-230C>A (NM_001321282.2); c.802C>A, p.Arg268Ser (NM_001321283.2); c.262C>A, p.Arg88Ser (NM_001321285.2); short protein forms R442S, R88S, R268S, R327S.
Identifiers: ClinVar variation 4615266 (VCV004615266.1).